The following is an entry in ClinVar:

NM_002160.4(TNC):c.3488-9C>T

Genes: TNC (tenascin C; minus strand), LOC126860741 (P300/CBP strongly-dependent group 1 enhancer GRCh37_chr9:117825442-117826641; plus strand). Cytogenetic location: 9q33.1.
Variant type: single nucleotide variant.
Coding change: c.3488-9C>T on transcript NM_002160.4 (MANE Select); 9 bases into the intron before coding-DNA position 3488, C replaced by T.
Molecular consequence: intron variant.
Genome position (GRCh38, 1-based): chr9:115,064,077, G>A on the plus strand (C>T on the coding strand, the complement: TNC is on the minus strand). VCF-style: chr9-115064077-G-A. GRCh37 (hg19) VCF-style: chr9-117826356-G-A.
Other names: c.3214+9526C>T (NM_001439099.1, NM_001439096.1, NM_001439100.1 and 1 more transcripts); c.3215-6652C>T (NM_001439098.1, NM_001439094.1, NM_001439090.1); c.3487+570C>T (NM_001439097.1); c.3488-9C>T (NM_001439093.1, NM_001439087.1, NM_001439083.1 and 27 more transcripts).
Identifiers: ClinVar variation 4985205 (VCV004985205.1).

ClinVar aggregate classification (germline): Likely benign (1 of 4 stars; one submission).

Conditions:
TNC-related disorder. Also called: TNC-related condition.

gnomAD v4.1: 104 of 1,596,422 alleles (0.0065%); highest among the groups gnomAD compares: Middle Eastern, 0.017%; no homozygotes.

Submission:

PreventionGenetics, part of Exact Sciences
Classification: Likely benign for TNC-related condition. Last evaluated: 2025-04-29. Review status: criteria provided, single submitter. Criteria: ACMG Guidelines, 2015. Collection method: clinical testing. Allele origin: germline.
Comment: This variant is classified as likely benign based on ACMG/AMP sequence variant interpretation guidelines (Richards et al. 2015 PMID: 25741868, with internal and published modifications).